The following is an entry in ClinVar:

NM_000081.4(LYST):c.7798C>T (p.Leu2600Phe)

Gene: LYST (lysosomal trafficking regulator; minus strand). Cytogenetic location: 1q42.3.
Variant type: single nucleotide variant.
Coding change: c.7798C>T on transcript NM_000081.4 (MANE Select); coding-DNA position 7798, C replaced by T.
Protein change: p.Leu2600Phe; replaces leucine 2600 with phenylalanine.
Molecular consequence: missense variant.
Genome position (GRCh38, 1-based): chr1:235,746,510, G>A on the plus strand (C>T on the coding strand, the complement: LYST is on the minus strand). VCF-style: chr1-235746510-G-A. GRCh37 (hg19) VCF-style: chr1-235909810-G-A.
Other names: c.7798C>T (NM_000081.2); c.7798C>T, p.Leu2600Phe (NM_001301365.1); short protein forms L2600F.
Identifiers: ClinVar variation 1899933 (VCV001899933.5), dbSNP rs1665940981, ClinGen allele CA344927872.

ClinVar aggregate classification (germline): Uncertain significance. Review status: criteria provided, multiple submitters, no conflicts (2 of 4 stars). 2 submissions from 2 submitters: Uncertain significance (2). Last evaluated 2025-09-09.

Conditions:
Chédiak-Higashi syndrome (CHS). Also called: Chediak-Higashi Syndrome. Identifiers: Orphanet 167, MedGen C0007965, MONDO:0008963, OMIM 214500.
Inborn genetic diseases. Identifiers: MedGen C0950123, MeSH D030342.

Allele frequency attached by ClinVar (database versions not stated): gnomAD exomes below 0.00001; TOPMed below 0.00001; gnomAD 0.00001.
gnomAD v4.1: 2 of 1,613,116 alleles (0.00012%); highest among the groups gnomAD compares: African/African-American, 0.0013%; no homozygotes.

Submissions (2):

Ambry Genetics
Classification: Uncertain significance for Inborn genetic diseases. Last evaluated: 2025-09-09. Review status: criteria provided, single submitter. Criteria: Ambry Variant Classification Scheme 2023. Collection method: clinical testing. Allele origin: germline.

Labcorp Genetics (formerly Invitae), Labcorp
Classification: Uncertain significance for Chédiak-Higashi syndrome. Last evaluated: 2024-02-24. Review status: criteria provided, single submitter. Criteria: Invitae Variant Classification Sherloc (09022015). Collection method: clinical testing. Allele origin: germline.
Comment: This sequence change replaces leucine, which is neutral and non-polar, with phenylalanine, which is neutral and non-polar, at codon 2600 of the LYST protein (p.Leu2600Phe). This variant is not present in population databases (gnomAD no frequency). This variant has not been reported in the literature in individuals affected with LYST-related conditions. ClinVar contains an entry for this variant (Variation ID: 1899933). Advanced modeling of protein sequence and biophysical properties (such as structural, functional, and spatial information, amino acid conservation, physicochemical variation, residue mobility, and thermodynamic stability) performed at Invitae indicates that this missense variant is not expected to disrupt LYST protein function with a negative predictive value of 80%. In summary, the available evidence is currently insufficient to determine the role of this variant in disease. Therefore, it has been classified as a Variant of Uncertain Significance.